The following is an entry in ClinVar:

NM_001330078.2(NRXN1):c.1606A>G (p.Ile536Val)

Gene: NRXN1 (neurexin 1; minus strand). Cytogenetic location: 2p16.3.
Variant type: single nucleotide variant.
Coding change: c.1606A>G on transcript NM_001330078.2 (MANE Select); coding-DNA position 1606, A replaced by G.
Protein change: p.Ile536Val; replaces isoleucine 536 with valine.
Molecular consequence: missense variant.
Genome position (GRCh38, 1-based): chr2:50,552,740, T>C on the plus strand (A>G on the coding strand, the complement: NRXN1 is on the minus strand). VCF-style: chr2-50552740-T-C. GRCh37 (hg19) VCF-style: chr2-50779878-T-C.
Other names: c.1582A>G, p.Ile528Val (NM_001330082.2, NM_001330095.2, NM_001330077.2); c.1567A>G, p.Ile523Val (NM_001330083.2, NM_001330084.2); c.1606A>G, p.Ile536Val (NM_001330085.2, NM_001330086.2, NM_004801.6); c.1522A>G, p.Ile508Val (NM_001330087.2, NM_001330096.2); c.1552A>G, p.Ile518Val (NM_001330088.2); c.1603A>G, p.Ile535Val (NM_001330093.2); c.1594A>G, p.Ile532Val (NM_001330094.2); c.1726A>G (NM_001135659.1); and 1 more; short protein forms I508V, I518V, I523V, I528V, I532V, I535V, I536V, I576V.
Identifiers: ClinVar variation 1007099 (VCV001007099.9), dbSNP rs772795545, ClinGen allele CA1655012.

ClinVar aggregate classification (germline): Uncertain significance. Review status: criteria provided, multiple submitters, no conflicts (2 of 4 stars). 2 submissions from 2 submitters: Uncertain significance (2). Last evaluated 2025-04-25.

Conditions:
Pitt-Hopkins-like syndrome 2 (PTHSL2). Identifiers: Orphanet 221150, Orphanet 600663, MedGen C3280479, MONDO:0013690, OMIM 614325.

Allele frequency attached by ClinVar (database versions not stated): gnomAD exomes below 0.00001; ExAC 0.00001; TOPMed 0.00002; gnomAD 0.00003 and 0.00004.
gnomAD v4.1: 7 of 1,613,876 alleles (0.00043%); highest among the groups gnomAD compares: African/African-American, 0.0067%; no homozygotes.

Submissions (2):

GeneDx
Classification: Uncertain significance. Last evaluated: 2025-04-25. Review status: criteria provided, single submitter. Criteria: GeneDx Variant Classification Process June 2021. Collection method: clinical testing. Allele origin: germline. Affected: yes.
Comment: In silico analysis indicates that this missense variant does not alter protein structure/function; Has not been previously published as pathogenic or benign to our knowledge

Labcorp Genetics (formerly Invitae), Labcorp
Classification: Uncertain significance for Pitt-Hopkins-like syndrome 2. Last evaluated: 2023-07-22. Review status: criteria provided, single submitter. Criteria: Invitae Variant Classification Sherloc (09022015). Collection method: clinical testing. Allele origin: germline.
Comment: This sequence change replaces isoleucine, which is neutral and non-polar, with valine, which is neutral and non-polar, at codon 576 of the NRXN1 protein (p.Ile576Val). In summary, the available evidence is currently insufficient to determine the role of this variant in disease. Therefore, it has been classified as a Variant of Uncertain Significance. Algorithms developed to predict the effect of missense changes on protein structure and function output the following: SIFT: "Not Available"; PolyPhen-2: "Benign"; Align-GVGD: "Not Available". The valine amino acid residue is found in multiple mammalian species, which suggests that this missense change does not adversely affect protein function. ClinVar contains an entry for this variant (Variation ID: 1007099). This variant has not been reported in the literature in individuals affected with NRXN1-related conditions. This variant is present in population databases (rs772795545, gnomAD 0.01%).